The following is an entry in ClinVar:

NM_001354483.2(CSGALNACT1):c.1162A>G (p.Ser388Gly)

Gene: CSGALNACT1 (chondroitin sulfate N-acetylgalactosaminyltransferase 1; minus strand). Cytogenetic location: 8p21.3.
Variant type: single nucleotide variant.
Coding change: c.1162A>G on transcript NM_001354483.2 (MANE Select); coding-DNA position 1162, A replaced by G.
Protein change: p.Ser388Gly; replaces serine 388 with glycine.
Molecular consequence: missense variant. On other transcripts: non-coding transcript variant (7).
Genome position (GRCh38, 1-based): chr8:19,418,721, T>C on the plus strand (A>G on the coding strand, the complement: CSGALNACT1 is on the minus strand). VCF-style: chr8-19418721-T-C. GRCh37 (hg19) VCF-style: chr8-19276232-T-C.
Other names: c.1162A>G, p.Ser388Gly (NM_001130518.2, NM_001354475.2, NM_001354476.2 and 18 more transcripts); short protein forms S388G.
Identifiers: ClinVar variation 1373088 (VCV001373088.6), dbSNP rs2153692925, ClinGen allele CA370459448.

ClinVar aggregate classification (germline): Uncertain significance (1 of 4 stars; one submission).

Submission:

Labcorp Genetics (formerly Invitae), Labcorp
Classification: Uncertain significance. Last evaluated: 2022-08-16. Review status: criteria provided, single submitter. Criteria: Invitae Variant Classification Sherloc (09022015). Collection method: clinical testing. Allele origin: germline.
Comment: In summary, the available evidence is currently insufficient to determine the role of this variant in disease. Therefore, it has been classified as a Variant of Uncertain Significance. Algorithms developed to predict the effect of missense changes on protein structure and function are either unavailable or do not agree on the potential impact of this missense change (SIFT: "Deleterious"; PolyPhen-2: "Probably Damaging"; Align-GVGD: "Class C0"). ClinVar contains an entry for this variant (Variation ID: 1373088). This variant has not been reported in the literature in individuals affected with CSGALNACT1-related conditions. This variant is not present in population databases (gnomAD no frequency). This sequence change replaces serine, which is neutral and polar, with glycine, which is neutral and non-polar, at codon 388 of the CSGALNACT1 protein (p.Ser388Gly).